The following is an entry in ClinVar:

NM_016203.4(PRKAG2):c.90G>T (p.Arg30Ser)

Gene: PRKAG2 (protein kinase AMP-activated non-catalytic subunit gamma 2; minus strand). Cytogenetic location: 7q36.1.
Variant type: single nucleotide variant.
Coding change: c.90G>T on transcript NM_016203.4 (MANE Select); coding-DNA position 90, G replaced by T.
Protein change: p.Arg30Ser; replaces arginine 30 with serine.
Molecular consequence: missense variant.
Genome position (GRCh38, 1-based): chr7:151,876,531, C>A on the plus strand (G>T on the coding strand, the complement: PRKAG2 is on the minus strand). VCF-style: chr7-151876531-C-A. GRCh37 (hg19) VCF-style: chr7-151573616-C-A.
Other names: short protein forms R30S.
Identifiers: ClinVar variation 912206 (VCV000912206.7), dbSNP rs1268890991, ClinGen allele CA370071880.
Genomic context (GRCh38, chr7:151,876,531, plus strand): 5'-GGGCTGGGGAGCAGGGGACCGAGTGCTGGGACTCACCGGAATGTGCACGCGCAGCGAACG[C>A]CTCTTCTGGCTGGCATTTTTCTTGCCGCCGCTCCCGCCGGGGCTGGAAACATCTTTTTTC-3'
Protein context (NP_057287.2, residues 20-40): SGGKKNASQK[Arg30Ser]RSLRVHIPDL

ClinVar aggregate classification (germline): Uncertain significance. Review status: criteria provided, multiple submitters, no conflicts (2 of 4 stars). 4 submissions from 3 submitters: Uncertain significance (4). Last evaluated 2024-10-31.

Conditions:
Cardiomyopathy (CMYO). Also called: Cardiomyopathies. Identifiers: Orphanet 167848, MedGen C0878544, MONDO:0004994, HP:0001638. Inheritance: Various modes of inheritance.
Wolff-Parkinson-White pattern. Also called: WPW SYNDROME; Auriculoventricular accessory pathway syndrome; False bundle branch block syndrome; Anomalous ventricular excitation syndrome. Identifiers: MedGen C0043202, MONDO:0008685, OMIM 194200, HP:0001716.
Hypertrophic cardiomyopathy 6. Identifiers: MedGen C1833236, MONDO:0010946, OMIM 600858.

gnomAD v4.1: 3 of 1,608,316 alleles (0.00019%); highest among the groups gnomAD compares: East Asian, 0.0067%; no homozygotes.

Submissions (4):

Blueprint Genetics
Classification: Uncertain significance. Last evaluated: 2024-10-31. Review status: criteria provided, single submitter. Criteria: ACMG Guidelines, 2015. Collection method: clinical testing. Allele origin: germline.

Color Diagnostics, LLC DBA Color Health
Classification: Uncertain significance for Cardiomyopathy. Last evaluated: 2024-03-06. Review status: criteria provided, single submitter. Criteria: ACMG Guidelines, 2015. Collection method: clinical testing. Allele origin: germline.
Comment: This missense variant replaces arginine with serine at codon 30 of the PRKAG2 protein. Computational prediction suggests that this variant may not impact protein structure and function (internally defined REVEL score threshold <= 0.5, PMID: 27666373). To our knowledge, functional studies have not been reported for this variant. This variant has not been reported in individuals affected with cardiovascular disorders in the literature. This variant has not been identified in the general population by the Genome Aggregation Database (gnomAD). The available evidence is insufficient to determine the role of this variant in disease conclusively. Therefore, this variant is classified as a Variant of Uncertain Significance.

Illumina Laboratory Services, Illumina
Classification: Uncertain significance for Hypertrophic cardiomyopathy 6. Last evaluated: 2017-06-13. Review status: criteria provided, single submitter. Criteria: ICSL Variant Classification Criteria 13 December 2019. Collection method: clinical testing. Allele origin: germline.

Illumina Laboratory Services, Illumina
Classification: Uncertain significance for Wolff-Parkinson-White pattern. Last evaluated: 2017-06-13. Review status: criteria provided, single submitter. Criteria: ICSL Variant Classification Criteria 13 December 2019. Collection method: clinical testing. Allele origin: germline.